The following is an entry in ClinVar:

NM_000257.4(MYH7):c.4450C>T (p.Leu1484Phe)

Genes: MHRT (myosin heavy chain associated RNA transcript; plus strand), MYH7 (myosin heavy chain 7; minus strand). Cytogenetic location: 14q11.2.
Variant type: single nucleotide variant.
Coding change: c.4450C>T on transcript NM_000257.4 (MANE Select); coding-DNA position 4450, C replaced by T.
Protein change: p.Leu1484Phe; replaces leucine 1484 with phenylalanine.
Molecular consequence: missense variant. On other transcripts: non-coding transcript variant (1).
Genome position (GRCh38, 1-based): chr14:23,417,222, G>A on the plus strand (C>T on the coding strand, the complement: MYH7 is on the minus strand). VCF-style: chr14-23417222-G-A. GRCh37 (hg19) VCF-style: chr14-23886431-G-A.
Other names: c.4450C>T, p.Leu1484Phe (NM_001407004.1); short protein forms L1484F.
Identifiers: ClinVar variation 3636005 (VCV003636005.2).
Genomic context (GRCh38, chr14:23,417,222, plus strand): 5'-TTTTGTTCTCCCGCTTGAAGGTCTCCAGATGTTCCAGGGACTCCTCATAGGCGTTCTTGA[G>A]TTTGAAGAGCTCTGTGCTGAGGGAGCGAGCCTCCTTCTGCGAGGACTCCAGCTCCGACTG-3'
Protein context (NP_000248.2, residues 1474-1494): ARSLSTELFK[Leu1484Phe]KNAYEESLEH

ClinVar aggregate classification (germline): Uncertain significance (1 of 4 stars; one submission).

Conditions:
Hypertrophic cardiomyopathy. Also called: HYPERTROPHIC MYOCARDIOPATHY. Identifiers: Orphanet 217569, MedGen C0007194, MeSH D002312, MONDO:0005045, HP:0001639.

Submission:

Labcorp Genetics (formerly Invitae), Labcorp
Classification: Uncertain significance for Hypertrophic cardiomyopathy. Last evaluated: 2025-04-23. Review status: criteria provided, single submitter. Criteria: Invitae Variant Classification Sherloc (09022015). Collection method: clinical testing. Allele origin: germline.
Comment: This sequence change replaces leucine, which is neutral and non-polar, with phenylalanine, which is neutral and non-polar, at codon 1484 of the MYH7 protein (p.Leu1484Phe). This variant is not present in population databases (gnomAD no frequency). This variant has not been reported in the literature in individuals affected with MYH7-related conditions. ClinVar contains an entry for this variant (Variation ID: 3636005). Invitae Evidence Modeling of protein sequence and biophysical properties (such as structural, functional, and spatial information, amino acid conservation, physicochemical variation, residue mobility, and thermodynamic stability) indicates that this missense variant is expected to disrupt MYH7 protein function with a positive predictive value of 95%. In summary, the available evidence is currently insufficient to determine the role of this variant in disease. Therefore, it has been classified as a Variant of Uncertain Significance.